The following is an entry in ClinVar:

ClinVar aggregate classification (germline): Uncertain significance (1 of 4 stars; one submission).

Conditions:
ABCB4-related disorder. Also called: ABCB4-related disorders; ABCB4-related condition.

gnomAD v4.1: 33 of 1,614,044 alleles (0.002%); highest among the groups gnomAD compares: African/African-American, 0.0067%; no homozygotes.

Submission:

PreventionGenetics, part of Exact Sciences
Classification: Uncertain significance for ABCB4-related condition. Last evaluated: 2025-04-25. Review status: criteria provided, single submitter. Criteria: ACMG Guidelines, 2015. Collection method: clinical testing. Allele origin: germline.
Comment: The ABCB4 c.3137G>A variant is predicted to result in the amino acid substitution p.Arg1046Gln. To our knowledge, this variant has not been reported in the literature. This variant is reported in 0.0033% of alleles in individuals of South Asian descent in gnomAD. At this time, the clinical significance of this variant is uncertain due to the absence of conclusive functional and genetic evidence.

NM_000443.4(ABCB4):c.3137G>A (p.Arg1046Gln)

Gene: ABCB4 (ATP binding cassette subfamily B member 4; minus strand). Cytogenetic location: 7q21.12.
Variant type: single nucleotide variant.
Coding change: c.3137G>A on transcript NM_000443.4 (MANE Select); coding-DNA position 3137, G replaced by A.
Protein change: p.Arg1046Gln; replaces arginine 1046 with glutamine.
Molecular consequence: missense variant.
Genome position (GRCh38, 1-based): chr7:87,408,179, C>T on the plus strand (G>A on the coding strand, the complement: ABCB4 is on the minus strand). VCF-style: chr7-87408179-C-T. GRCh37 (hg19) VCF-style: chr7-87037495-C-T.
Other names: c.3137G>A, p.Arg1046Gln (NM_018849.3); c.2996G>A, p.Arg999Gln (NM_018850.3); short protein forms R1046Q, R999Q.
Identifiers: ClinVar variation 4989682 (VCV004989682.1).